The following is an entry in ClinVar:

NM_004304.5(ALK):c.184T>C (p.Ser62Pro)

Gene: ALK (ALK receptor tyrosine kinase; minus strand). Cytogenetic location: 2p23.1.
Variant type: single nucleotide variant.
Coding change: c.184T>C on transcript NM_004304.5 (MANE Select); coding-DNA position 184, T replaced by C.
Protein change: p.Ser62Pro; replaces serine 62 with proline.
Molecular consequence: missense variant.
Genome position (GRCh38, 1-based): chr2:29,920,476, A>G on the plus strand (T>C on the coding strand, the complement: ALK is on the minus strand). VCF-style: chr2-29920476-A-G. GRCh37 (hg19) VCF-style: chr2-30143342-A-G.
Other names: short protein forms S62P.
Identifiers: ClinVar variation 3659479 (VCV003659479.2).

ClinVar aggregate classification (germline): Uncertain significance (1 of 4 stars; one submission).

Conditions:
Neuroblastoma, susceptibility to, 3. Also called: ALK-Related Neuroblastic Tumor Susceptibility. Identifiers: Orphanet 635, MedGen C2751681, MONDO:0013083, OMIM 613014.

Submission:

Labcorp Genetics (formerly Invitae), Labcorp
Classification: Uncertain significance for Neuroblastoma, susceptibility to, 3. Last evaluated: 2024-07-14. Review status: criteria provided, single submitter. Criteria: Invitae Variant Classification Sherloc (09022015). Collection method: clinical testing. Allele origin: germline.
Comment: This sequence change replaces serine, which is neutral and polar, with proline, which is neutral and non-polar, at codon 62 of the ALK protein (p.Ser62Pro). This variant is not present in population databases (gnomAD no frequency). This variant has not been reported in the literature in individuals affected with ALK-related conditions. An algorithm developed to predict the effect of missense changes on protein structure and function (PolyPhen-2) suggests that this variant is likely to be disruptive. In summary, the available evidence is currently insufficient to determine the role of this variant in disease. Therefore, it has been classified as a Variant of Uncertain Significance.